The following is an entry in ClinVar:

NM_005477.3(HCN4):c.3182C>T (p.Pro1061Leu)

Gene: HCN4 (hyperpolarization activated cyclic nucleotide gated potassium channel 4; minus strand). Cytogenetic location: 15q24.1.
Variant type: single nucleotide variant.
Coding change: c.3182C>T on transcript NM_005477.3 (MANE Select); coding-DNA position 3182, C replaced by T.
Protein change: p.Pro1061Leu; replaces proline 1061 with leucine.
Molecular consequence: missense variant.
Genome position (GRCh38, 1-based): chr15:73,322,911, G>A on the plus strand (C>T on the coding strand, the complement: HCN4 is on the minus strand). VCF-style: chr15-73322911-G-A. GRCh37 (hg19) VCF-style: chr15-73615252-G-A.
Other names: c.3182C>T (NM_005477.2); short protein forms P1061L.
Identifiers: ClinVar variation 2085100 (VCV002085100.5), dbSNP rs1010963303, ClinGen allele CA272663655.
Genomic context (GRCh38, chr15:73,322,911, plus strand): 5'-TGGGTGAGGCGGCCGGGGGTGAGCGGGGGTGTGCCCCGGCGCTGGGGGACCTGGGGTGGT[G>A]GGGGGCTGGATGCAGGTGGCAGGAGCAAGGATCCGTGGGAGCCAGAGGCCCGGGGCGGGG-3'
Protein context (NP_005468.1, residues 1051-1071): SLLLPPASSP[Pro1061Leu]PPQVPQRRGT

ClinVar aggregate classification (germline): Uncertain significance. Review status: criteria provided, multiple submitters, no conflicts (2 of 4 stars). 3 submissions from 3 submitters: Uncertain significance (3). Last evaluated 2024-03-01.

Conditions:
Brugada syndrome 8 (BRGDA8). Identifiers: Orphanet 130, MedGen C2751083, MONDO:0013148, OMIM 613123.
Cardiovascular phenotype. Identifiers: MedGen CN230736.

gnomAD v4.1: 1 of 1,403,314 alleles (0.000071%); highest among the groups gnomAD compares: Non-Finnish European, 0.000094%; no homozygotes.

Submissions (3):

Ambry Genetics
Classification: Uncertain significance for Cardiovascular phenotype. Last evaluated: 2024-03-01. Review status: criteria provided, single submitter. Criteria: Ambry Variant Classification Scheme 2023. Collection method: clinical testing. Allele origin: germline.
Comment: The p.P1061L variant (also known as c.3182C>T), located in coding exon 8 of the HCN4 gene, results from a C to T substitution at nucleotide position 3182. The proline at codon 1061 is replaced by leucine, an amino acid with similar properties. This amino acid position is conserved. In addition, the in silico prediction for this alteration is inconclusive. Based on the available evidence, the clinical significance of this alteration remains unclear.

Blueprint Genetics
Classification: Uncertain significance. Last evaluated: 2022-03-24. Review status: criteria provided, single submitter. Criteria: ACMG Guidelines, 2015. Collection method: clinical testing. Allele origin: germline.

Labcorp Genetics (formerly Invitae), Labcorp
Classification: Uncertain significance for Brugada syndrome 8. Last evaluated: 2022-02-19. Review status: criteria provided, single submitter. Criteria: Invitae Variant Classification Sherloc (09022015). Collection method: clinical testing. Allele origin: germline.
Comment: This sequence change replaces proline, which is neutral and non-polar, with leucine, which is neutral and non-polar, at codon 1061 of the HCN4 protein (p.Pro1061Leu). In summary, the available evidence is currently insufficient to determine the role of this variant in disease. Therefore, it has been classified as a Variant of Uncertain Significance. Advanced modeling of protein sequence and biophysical properties (such as structural, functional, and spatial information, amino acid conservation, physicochemical variation, residue mobility, and thermodynamic stability) performed at Invitae indicates that this missense variant is not expected to disrupt HCN4 protein function. This variant has not been reported in the literature in individuals affected with HCN4-related conditions. This variant is not present in population databases (gnomAD no frequency).